The following is an entry in ClinVar:

ClinVar aggregate classification (germline): Uncertain significance (1 of 4 stars; one submission).

gnomAD v4.1: 1 of 1,614,056 alleles (0.000062%); highest among the groups gnomAD compares: South Asian, 0.0011%; no homozygotes.

Submission:

Ambry Genetics
Classification: Uncertain significance. Last evaluated: 2025-03-15. Review status: criteria provided, single submitter. Criteria: Ambry Variant Classification Scheme 2023. Collection method: clinical testing. Allele origin: germline.
Comment: The p.E852K variant (also known as c.2554G>A), located in coding exon 1 of the TET2 gene, results from a G to A substitution at nucleotide position 2554. The glutamic acid at codon 852 is replaced by lysine, an amino acid with similar properties. This amino acid position is conserved. In addition, this alteration is predicted to be tolerated by in silico analysis. Based on the available evidence, the clinical significance of this variant remains unclear.

NM_001127208.3(TET2):c.2554G>A (p.Glu852Lys)

Genes: TET2 (tet methylcytosine dioxygenase 2; plus strand), TET2-AS1 (TET2 antisense RNA 1; minus strand). Cytogenetic location: 4q24.
Variant type: single nucleotide variant.
Coding change: c.2554G>A on transcript NM_001127208.3 (MANE Select); coding-DNA position 2554, G replaced by A.
Protein change: p.Glu852Lys; replaces glutamic acid 852 with lysine.
Molecular consequence: missense variant.
Genome position (GRCh38, 1-based): chr4:105,236,496, G>A. VCF-style: chr4-105236496-G-A. GRCh37 (hg19) VCF-style: chr4-106157653-G-A.
Other names: c.2554G>A, p.Glu852Lys (NM_017628.4); short protein forms E852K.
Identifiers: ClinVar variation 3967465 (VCV003967465.1).